The following is an entry in ClinVar:

ClinVar aggregate classification (germline): Uncertain significance (1 of 4 stars; one submission).

Conditions:
Orthostatic hypotension 1 (ORTHYP1). Also called: Dopamine beta-hydroxylase deficiency; Orthostatic hypotension 1, due to DBH deficiency; NORADRENALINE DEFICIENCY; NOREPINEPHRINE DEFICIENCY. Identifiers: Orphanet 230, MedGen C4746777, MONDO:0009123, OMIM 223360.

Allele frequency attached by ClinVar (database versions not stated): gnomAD exomes 0.00001 and 0.00006; gnomAD 0.00002; TOPMed 0.00002; ExAC 0.00007.
gnomAD v4.1: 23 of 1,613,694 alleles (0.0014%); highest among the groups gnomAD compares: East Asian, 0.04%; no homozygotes.

Submission:

Labcorp Genetics (formerly Invitae), Labcorp
Classification: Uncertain significance for Orthostatic hypotension 1. Last evaluated: 2024-10-25. Review status: criteria provided, single submitter. Criteria: Invitae Variant Classification Sherloc (09022015). Collection method: clinical testing. Allele origin: germline.
Comment: This sequence change replaces leucine, which is neutral and non-polar, with valine, which is neutral and non-polar, at codon 500 of the DBH protein (p.Leu500Val). This variant is present in population databases (no rsID available, gnomAD 0.08%). This variant has not been reported in the literature in individuals affected with DBH-related conditions. ClinVar contains an entry for this variant (Variation ID: 1405467). Invitae Evidence Modeling of protein sequence and biophysical properties (such as structural, functional, and spatial information, amino acid conservation, physicochemical variation, residue mobility, and thermodynamic stability) has been performed for this missense variant. However, the output from this modeling did not meet the statistical confidence thresholds required to predict the impact of this variant on DBH protein function. In summary, the available evidence is currently insufficient to determine the role of this variant in disease. Therefore, it has been classified as a Variant of Uncertain Significance.

NM_000787.4(DBH):c.1498C>G (p.Leu500Val)

Genes: DBH (dopamine beta-hydroxylase; plus strand), DBH-AS1 (DBH antisense RNA 1; minus strand). Cytogenetic location: 9q34.2.
Variant type: single nucleotide variant.
Coding change: c.1498C>G on transcript NM_000787.4 (MANE Select); coding-DNA position 1498, C replaced by G.
Protein change: p.Leu500Val; replaces leucine 500 with valine.
Molecular consequence: missense variant.
Genome position (GRCh38, 1-based): chr9:133,656,586, C>G. VCF-style: chr9-133656586-C-G. GRCh37 (hg19) VCF-style: chr9-136521708-C-G.
Other names: short protein forms L500V.
Identifiers: ClinVar variation 1405467 (VCV001405467.4), dbSNP rs1015530973, ClinGen allele CA5313560.